The following is an entry in ClinVar:

ClinVar aggregate classification (germline): Conflicting classifications of pathogenicity. Review status: criteria provided, conflicting classifications (1 of 4 stars). 3 submissions from 3 submitters: Uncertain significance (1); Benign (1); Likely benign (1). Last evaluated 2026-03-04.

Allele frequency attached by ClinVar (database versions not stated): gnomAD 0.00003; 1000 Genomes Project 30x 0.00031; ExAC 0.01449.
gnomAD v4.1: 65 of 1,216,058 alleles (0.0053%); highest among the groups gnomAD compares: South Asian, 0.1%; 2 homozygotes.

Submissions (3):

GeneDx
Classification: Uncertain significance. Last evaluated: 2026-03-04. Review status: criteria provided, single submitter. Criteria: GeneDx Variant Classification Process June 2021. Collection method: clinical testing. Allele origin: germline.
Comment: In silico analysis suggests that this missense variant does not alter protein structure/function; This variant is associated with the following publications: (PMID: 35620448, 22008521)

Blueprint Genetics
Classification: Likely benign. Last evaluated: 2024-10-25. Review status: criteria provided, single submitter. Criteria: ACMG Guidelines, 2015. Collection method: clinical testing. Allele origin: germline.

CeGaT Center for Human Genetics Tuebingen
Classification: Benign. Last evaluated: 2022-04-01. Review status: criteria provided, single submitter. Criteria: CeGaT Center For Human Genetics Tuebingen Variant Classification Criteria Version 2. Collection method: clinical testing. Allele origin: germline. Affected: yes. Observed: 1 variant allele.
Comment: PKD1: BS1, BS2

NM_001009944.3(PKD1):c.11689C>T (p.Leu3897Phe)

Genes: PKD1 (polycystin 1, transient receptor potential channel interacting; minus strand), PKD1-AS1 (PKD1 antisense RNA 1; plus strand). Cytogenetic location: 16p13.3.
Variant type: single nucleotide variant.
Coding change: c.11689C>T on transcript NM_001009944.3 (MANE Select); coding-DNA position 11689, C replaced by T.
Protein change: p.Leu3897Phe; replaces leucine 3897 with phenylalanine.
Molecular consequence: missense variant. On other transcripts: non-coding transcript variant (1).
Genome position (GRCh38, 1-based): chr16:2,091,446, G>A on the plus strand (C>T on the coding strand, the complement: PKD1 is on the minus strand). VCF-style: chr16-2091446-G-A. GRCh37 (hg19) VCF-style: chr16-2141447-G-A.
Other names: c.11686C>T, p.Leu3896Phe (NM_000296.4); short protein forms L3896F, L3897F.
Identifiers: ClinVar variation 2645982 (VCV002645982.25), dbSNP rs745713081, ClinGen allele CA7829013.